The following is an entry in ClinVar:

NM_022114.4(PRDM16):c.3812A>G (p.His1271Arg)

Gene: PRDM16 (PR/SET domain 16; plus strand). Cytogenetic location: 1p36.32.
Variant type: single nucleotide variant.
Coding change: c.3812A>G on transcript NM_022114.4 (MANE Select); coding-DNA position 3812, A replaced by G.
Protein change: p.His1271Arg; replaces histidine 1271 with arginine.
Molecular consequence: missense variant.
Genome position (GRCh38, 1-based): chr1:3,433,792, A>G. VCF-style: chr1-3433792-A-G. GRCh37 (hg19) VCF-style: chr1-3350356-A-G.
Other names: c.3755A>G, p.His1252Arg (NM_199454.3); short protein forms H1271R, H1252R.
Identifiers: ClinVar variation 838123 (VCV000838123.9), dbSNP rs1638837669, ClinGen allele CA338005927.

ClinVar aggregate classification (germline): Uncertain significance (1 of 4 stars; one submission).

Conditions:
Left ventricular noncompaction 8 (LVNC8). Identifiers: Orphanet 154, Orphanet 54260, MedGen C3809288, MONDO:0014152, OMIM 615373.

Submission:

Labcorp Genetics (formerly Invitae), Labcorp
Classification: Uncertain significance for Left ventricular noncompaction 8. Last evaluated: 2019-05-27. Review status: criteria provided, single submitter. Criteria: Invitae Variant Classification Sherloc (09022015). Collection method: clinical testing. Allele origin: germline.
Comment: In summary, the available evidence is currently insufficient to determine the role of this variant in disease. Therefore, it has been classified as a Variant of Uncertain Significance. Algorithms developed to predict the effect of missense changes on protein structure and function are either unavailable or do not agree on the potential impact of this missense change (SIFT: "Deleterious"; PolyPhen-2: "Benign"; Align-GVGD: "Class C0"). This variant has not been reported in the literature in individuals with PRDM16-related conditions. This variant is not present in population databases (ExAC no frequency). This sequence change replaces histidine with arginine at codon 1271 of the PRDM16 protein (p.His1271Arg). The histidine residue is weakly conserved and there is a small physicochemical difference between histidine and arginine.